The following is an entry in ClinVar:

ClinVar aggregate classification (germline): Uncertain significance (1 of 4 stars; one submission).

Conditions:
NIK deficiency. Also called: Primary immunodeficiency with multifaceted aberrant lymphoid immunity. Identifiers: Orphanet 447731, MedGen C5680065, MONDO:0018642.

Allele frequency attached by ClinVar (database versions not stated): gnomAD exomes 0.00001; ExAC 0.00001.
gnomAD v4.1: 8 of 1,613,694 alleles (0.0005%); highest among the groups gnomAD compares: South Asian, 0.0033%; no homozygotes.

Submission:

Labcorp Genetics (formerly Invitae), Labcorp
Classification: Uncertain significance for NIK deficiency. Last evaluated: 2022-05-12. Review status: criteria provided, single submitter. Criteria: Invitae Variant Classification Sherloc (09022015). Collection method: clinical testing. Allele origin: germline.
Comment: This sequence change replaces serine, which is neutral and polar, with leucine, which is neutral and non-polar, at codon 694 of the MAP3K14 protein (p.Ser694Leu). This variant is present in population databases (rs755630489, gnomAD 0.006%). In summary, the available evidence is currently insufficient to determine the role of this variant in disease. Therefore, it has been classified as a Variant of Uncertain Significance. Experimental studies and prediction algorithms are not available or were not evaluated, and the functional significance of this variant is currently unknown. This variant has not been reported in the literature in individuals affected with MAP3K14-related conditions.

NM_003954.5(MAP3K14):c.2081C>T (p.Ser694Leu)

Genes: MAP3K14 (mitogen-activated protein kinase kinase kinase 14; minus strand), MAP3K14-AS1 (MAP3K14 antisense RNA 1; plus strand), LOC126862575 (CDK7 strongly-dependent group 2 enhancer GRCh37_chr17:43344006-43345205; plus strand). Cytogenetic location: 17q21.31.
Variant type: single nucleotide variant.
Coding change: c.2081C>T on transcript NM_003954.5 (MANE Select); coding-DNA position 2081, C replaced by T.
Protein change: p.Ser694Leu; replaces serine 694 with leucine.
Molecular consequence: missense variant.
Genome position (GRCh38, 1-based): chr17:45,267,651, G>A on the plus strand (C>T on the coding strand, the complement: MAP3K14 is on the minus strand). VCF-style: chr17-45267651-G-A. GRCh37 (hg19) VCF-style: chr17-43345018-G-A.
Other names: short protein forms S694L.
Identifiers: ClinVar variation 1990081 (VCV001990081.4), dbSNP rs755630489, ClinGen allele CA8613957.